The following is an entry in ClinVar:

ClinVar aggregate classification (germline): Uncertain significance (1 of 4 stars; one submission).

Submission:

Ambry Genetics
Classification: Uncertain significance. Last evaluated: 2025-03-08. Review status: criteria provided, single submitter. Criteria: Ambry Variant Classification Scheme 2023. Collection method: clinical testing. Allele origin: germline.
Comment: The p.L560P variant (also known as c.1679T>C), located in coding exon 1 of the TET2 gene, results from a T to C substitution at nucleotide position 1679. The leucine at codon 560 is replaced by proline, an amino acid with similar properties. This amino acid position is conserved. In addition, this alteration is predicted to be tolerated by in silico analysis. Based on the available evidence, the clinical significance of this variant remains unclear.

NM_001127208.3(TET2):c.1679T>C (p.Leu560Pro)

Genes: TET2 (tet methylcytosine dioxygenase 2; plus strand), TET2-AS1 (TET2 antisense RNA 1; minus strand). Cytogenetic location: 4q24.
Variant type: single nucleotide variant.
Coding change: c.1679T>C on transcript NM_001127208.3 (MANE Select); coding-DNA position 1679, T replaced by C.
Protein change: p.Leu560Pro; replaces leucine 560 with proline.
Molecular consequence: missense variant.
Genome position (GRCh38, 1-based): chr4:105,235,621, T>C. VCF-style: chr4-105235621-T-C. GRCh37 (hg19) VCF-style: chr4-106156778-T-C.
Other names: c.1679T>C, p.Leu560Pro (NM_017628.4); short protein forms L560P.
Identifiers: ClinVar variation 3806111 (VCV003806111.1).